The following is an entry in ClinVar:

NM_004813.4(PEX16):c.*123A>G

Gene: PEX16 (peroxisomal biogenesis factor 16; minus strand). Cytogenetic location: 11p11.2.
Variant type: single nucleotide variant.
Coding change: c.*123A>G on transcript NM_004813.4 (MANE Select); 123 bases downstream of the stop codon, A replaced by G.
Molecular consequence: 3 prime UTR variant. On other transcripts: synonymous variant (1).
Genome position (GRCh38, 1-based): chr11:45,910,131, T>C on the plus strand (A>G on the coding strand, the complement: PEX16 is on the minus strand). VCF-style: chr11-45910131-T-C. GRCh37 (hg19) VCF-style: chr11-45931682-T-C.
Other names: c.999A>G, p.Thr333= (NM_057174.3).
Identifiers: ClinVar variation 3029486 (VCV003029486.2), dbSNP rs746259305, ClinGen allele CA5959684.

ClinVar aggregate classification (germline): Likely benign (0 of 4 stars; one submission).

Conditions:
PEX16-related disorder. Also called: PEX16-related condition.

Allele frequency attached by ClinVar (database versions not stated): gnomAD exomes 0.00001; ExAC 0.00002; gnomAD 0.00002; TOPMed 0.00002.
gnomAD v4.1: 13 of 1,611,806 alleles (0.00081%); highest among the groups gnomAD compares: East Asian, 0.027%; no homozygotes.

Submission:

PreventionGenetics, part of Exact Sciences
Classification: Likely benign for PEX16-related condition. Last evaluated: 2021-11-22. Review status: no assertion criteria provided. Collection method: clinical testing. Allele origin: germline.
Comment: This variant is classified as likely benign based on ACMG/AMP sequence variant interpretation guidelines (Richards et al. 2015 PMID: 25741868, with internal and published modifications).